The following is an entry in ClinVar:

ClinVar aggregate classification (germline): Uncertain significance (1 of 4 stars; one submission).

gnomAD v4.1: 1 of 1,612,994 alleles (0.000062%); highest among the groups gnomAD compares: Non-Finnish European, 0.000085%; no homozygotes.

Submission:

Labcorp Genetics (formerly Invitae), Labcorp
Classification: Uncertain significance. Last evaluated: 2022-10-04. Review status: criteria provided, single submitter. Criteria: Invitae Variant Classification Sherloc (09022015). Collection method: clinical testing. Allele origin: germline.
Comment: This variant is not present in population databases (gnomAD no frequency). This sequence change affects an acceptor splice site in intron 18 of the CACNA2D4 gene. It is expected to disrupt RNA splicing. Variants that disrupt the donor or acceptor splice site typically lead to a loss of protein function (PMID: 16199547), however the current clinical and genetic evidence is not sufficient to establish whether loss-of-function variants in CACNA2D4 cause disease. This variant has not been reported in the literature in individuals affected with CACNA2D4-related conditions. In summary, the available evidence is currently insufficient to determine the role of this variant in disease. Therefore, it has been classified as a Variant of Uncertain Significance. Algorithms developed to predict the effect of sequence changes on RNA splicing suggest that this variant may disrupt the consensus splice site. ClinVar contains an entry for this variant (Variation ID: 1373546).

Literature cited by the submitters: PubMed 16199547.

NM_172364.5(CACNA2D4):c.1879-2A>G

Gene: CACNA2D4 (calcium voltage-gated channel auxiliary subunit alpha2delta 4; minus strand). Cytogenetic location: 12p13.33.
Variant type: single nucleotide variant.
Coding change: c.1879-2A>G on transcript NM_172364.5 (MANE Select); the canonical splice acceptor site of the intron before coding-DNA position 1879, A replaced by G.
Molecular consequence: splice acceptor variant.
Genome position (GRCh38, 1-based): chr12:1,860,208, T>C on the plus strand (A>G on the coding strand, the complement: CACNA2D4 is on the minus strand). VCF-style: chr12-1860208-T-C. GRCh37 (hg19) VCF-style: chr12-1969374-T-C.
Identifiers: ClinVar variation 1373546 (VCV001373546.8), dbSNP rs2154448553, ClinGen allele CA383350317.